The following is an entry in ClinVar:

NM_006941.4(SOX10):c.261G>A (p.Leu87=)

Genes: POLR2F (RNA polymerase II, I and III subunit F; plus strand), SOX10 (SRY-box transcription factor 10; minus strand). Cytogenetic location: 22q13.1.
Variant type: single nucleotide variant.
Coding change: c.261G>A on transcript NM_006941.4 (MANE Select); coding-DNA position 261, G replaced by A.
Protein change: p.Leu87=; no amino-acid change (leucine 87 retained).
Molecular consequence: synonymous variant. On other transcripts: intron variant (3).
Genome position (GRCh38, 1-based): chr22:37,983,524, C>T on the plus strand (G>A on the coding strand, the complement: SOX10 is on the minus strand). VCF-style: chr22-37983524-C-T. GRCh37 (hg19) VCF-style: chr22-38379531-C-T.
Other names: c.*38+11214C>T (NM_001363825.1); c.294-2630C>T (NM_001301130.2); c.293+16354C>T (NM_001301131.2).
Identifiers: ClinVar variation 3251059 (VCV003251059.17), dbSNP rs2518052530.

ClinVar aggregate classification (germline): Likely benign (1 of 4 stars; one submission).

Submission:

CeGaT Center for Human Genetics Tuebingen
Classification: Likely benign. Last evaluated: 2024-06-01. Review status: criteria provided, single submitter. Criteria: CeGaT Center For Human Genetics Tuebingen Variant Classification Criteria Version 2. Collection method: clinical testing. Allele origin: germline. Affected: yes. Observed: 1 variant allele.
Comment: SOX10: PM2:Supporting, BP4, BP7